The following is an entry in ClinVar:

NM_001267550.2(TTN):c.79453G>A (p.Val26485Met)

Genes: TTN (titin; minus strand), TTN-AS1 (TTN antisense RNA 1; plus strand). Cytogenetic location: 2q31.2.
Variant type: single nucleotide variant.
Coding change: c.79453G>A on transcript NM_001267550.2 (MANE Select); coding-DNA position 79453, G replaced by A.
Protein change: p.Val26485Met; replaces valine 26485 with methionine.
Molecular consequence: missense variant.
Genome position (GRCh38, 1-based): chr2:178,566,679, C>T on the plus strand (G>A on the coding strand, the complement: TTN is on the minus strand). VCF-style: chr2-178566679-C-T. GRCh37 (hg19) VCF-style: chr2-179431406-C-T.
Other names: c.74530G>A, p.Val24844Met (NM_001256850.1); c.52258G>A, p.Val17420Met (NM_003319.4); c.71749G>A, p.Val23917Met (NM_133378.4); c.52633G>A, p.Val17545Met (NM_133432.3); c.52834G>A, p.Val17612Met (NM_133437.4); short protein forms V17420M, V17545M, V17612M, V23917M, V24844M, V26485M.
Identifiers: ClinVar variation 1712877 (VCV001712877.2), dbSNP rs1705994617, ClinGen allele CA349596733.

ClinVar aggregate classification (germline): Uncertain significance (1 of 4 stars; one submission).

Allele frequency attached by ClinVar (database versions not stated): gnomAD exomes below 0.00001; gnomAD 0.00001.
gnomAD v4.1: 3 of 1,613,152 alleles (0.00019%); highest among the groups gnomAD compares: Admixed American, 0.0017%; no homozygotes.

Submission:

GeneDx
Classification: Uncertain significance. Last evaluated: 2022-04-29. Review status: criteria provided, single submitter. Criteria: GeneDx Variant Classification Process June 2021. Collection method: clinical testing. Allele origin: germline. Affected: yes.
Comment: Not observed at significant frequency in large population cohorts (gnomAD); Missense variant in a gene in which most reported pathogenic variants are truncating/loss of function; Has not been previously published as pathogenic or benign to our knowledge